The following is an entry in ClinVar:

ClinVar aggregate classification (germline): Uncertain significance (1 of 4 stars; one submission).

Conditions:
Pallister-Hall syndrome (PHS). Also called: GLI3-Related Pallister-Hall Syndrome; HYPOTHALAMIC HAMARTOBLASTOMA, HYPOPITUITARISM, IMPERFORATE ANUS, AND POSTAXIAL POLYDACTYLY. Identifiers: Orphanet 672, MedGen C0265220, MONDO:0007804, OMIM 146510.
Greig cephalopolysyndactyly syndrome (GCPS). Also called: POLYSYNDACTYLY WITH PECULIAR SKULL SHAPE; Greig syndrome; GLI3-Related Greig Cephalopolysyndactyly Syndrome. Identifiers: Orphanet 380, MedGen C0265306, MONDO:0008287, OMIM 175700.

Submission:

Labcorp Genetics (formerly Invitae), Labcorp
Classification: Uncertain significance for Pallister-Hall syndrome; Greig cephalopolysyndactyly syndrome. Last evaluated: 2025-08-20. Review status: criteria provided, single submitter. Criteria: Invitae Variant Classification Sherloc (09022015). Collection method: clinical testing. Allele origin: germline.
Comment: This sequence change replaces glycine, which is neutral and non-polar, with cysteine, which is neutral and slightly polar, at codon 1306 of the GLI3 protein (p.Gly1306Cys). This variant is not present in population databases (gnomAD no frequency). This variant has not been reported in the literature in individuals affected with GLI3-related conditions. Invitae Evidence Modeling of protein sequence and biophysical properties (such as structural, functional, and spatial information, amino acid conservation, physicochemical variation, residue mobility, and thermodynamic stability) indicates that this missense variant is not expected to disrupt GLI3 protein function with a negative predictive value of 95%. In summary, the available evidence is currently insufficient to determine the role of this variant in disease. Therefore, it has been classified as a Variant of Uncertain Significance.

NM_000168.6(GLI3):c.3916G>T (p.Gly1306Cys)

Gene: GLI3 (GLI family zinc finger 3; minus strand). Cytogenetic location: 7p14.1.
Variant type: single nucleotide variant.
Coding change: c.3916G>T on transcript NM_000168.6 (MANE Select); coding-DNA position 3916, G replaced by T.
Protein change: p.Gly1306Cys; replaces glycine 1306 with cysteine.
Molecular consequence: missense variant.
Genome position (GRCh38, 1-based): chr7:41,965,157, C>A on the plus strand (G>T on the coding strand, the complement: GLI3 is on the minus strand). VCF-style: chr7-41965157-C-A. GRCh37 (hg19) VCF-style: chr7-42004755-C-A.
Other names: short protein forms G1306C.
Identifiers: ClinVar variation 4783596 (VCV004783596.1).
Genomic context (GRCh38, chr7:41,965,157, plus strand): 5'-GGTGAGCCAGGTACCCCTGTCCCACTGGGTCCTGGTTCTGCATGCCATTCACCATGCTGC[C>A]AGCTGACTCATTTGGCGCTACCGGCAGGCCGAAATTCAGCTGGCCCCCGCTCCCTTGCAT-3'
Protein context (NP_000159.3, residues 1296-1316): GLPVAPNESA[Gly1306Cys]SMVNGMQNQD